The following is an entry in ClinVar:

NM_015602.4(TOR1AIP1):c.1223C>G (p.Ala408Gly)

Gene: TOR1AIP1 (torsin 1A interacting protein 1; plus strand). Cytogenetic location: 1q25.2.
Variant type: single nucleotide variant.
Coding change: c.1223C>G on transcript NM_015602.4 (MANE Select); coding-DNA position 1223, C replaced by G.
Protein change: p.Ala408Gly; replaces alanine 408 with glycine.
Molecular consequence: missense variant.
Genome position (GRCh38, 1-based): chr1:179,917,710, C>G. VCF-style: chr1-179917710-C-G. GRCh37 (hg19) VCF-style: chr1-179886845-C-G.
Other names: c.1226C>G, p.Ala409Gly (NM_001267578.2); short protein forms A409G, A408G.
Identifiers: ClinVar variation 1479138 (VCV001479138.8), dbSNP rs1649063593, ClinGen allele CA343573746.

ClinVar aggregate classification (germline): Uncertain significance (1 of 4 stars; one submission).

Conditions:
Autosomal recessive limb-girdle muscular dystrophy type 2Y (MRRSDC). Also called: Muscular dystrophy, autosomal recessive, with rigid spine and distal joint contractures; Muscular dystrophy, limb-girdle, type 2y. Identifiers: Orphanet 424261, MedGen C4511482, MONDO:0014900, OMIM 617072.

Submission:

Labcorp Genetics (formerly Invitae), Labcorp
Classification: Uncertain significance for Autosomal recessive limb-girdle muscular dystrophy type 2Y. Last evaluated: 2021-05-29. Review status: criteria provided, single submitter. Criteria: Invitae Variant Classification Sherloc (09022015). Collection method: clinical testing. Allele origin: germline.
Comment: In summary, the available evidence is currently insufficient to determine the role of this variant in disease. Therefore, it has been classified as a Variant of Uncertain Significance. Algorithms developed to predict the effect of sequence changes on RNA splicing suggest that this variant may create or strengthen a splice site, but this prediction has not been confirmed by published transcriptional studies. Algorithms developed to predict the effect of missense changes on protein structure and function are either unavailable or do not agree on the potential impact of this missense change (SIFT: "Deleterious"; PolyPhen-2: "Probably Damaging"; Align-GVGD: "Class C0"). This variant has not been reported in the literature in individuals with TOR1AIP1-related conditions. This variant is not present in population databases (ExAC no frequency). This sequence change replaces alanine with glycine at codon 409 of the TOR1AIP1 protein (p.Ala409Gly). The alanine residue is moderately conserved and there is a small physicochemical difference between alanine and glycine.